The following is an entry in ClinVar:

ClinVar aggregate classification (germline): Pathogenic. Review status: criteria provided, multiple submitters, no conflicts (2 of 4 stars). 2 submissions from 2 submitters: Pathogenic (2). Last evaluated 2025-08-03.

Conditions:
ABCA4-related disorder. Also called: ABCA4-related disorders; ABCA4-related condition. Identifiers: MedGen CN239167.

gnomAD v4.1: 1 of 1,612,872 alleles (0.000062%); highest among the groups gnomAD compares: Non-Finnish European, 0.000085%; no homozygotes.

Submissions (2):

Labcorp Genetics (formerly Invitae), Labcorp
Classification: Pathogenic. Last evaluated: 2025-08-03. Review status: criteria provided, single submitter. Criteria: Invitae Variant Classification Sherloc (09022015). Collection method: clinical testing. Allele origin: germline.
Comment: This sequence change falls in intron 37 of the ABCA4 gene. It does not directly change the encoded amino acid sequence of the ABCA4 protein. It affects a nucleotide within the consensus splice site. This variant is not present in population databases (gnomAD no frequency). This variant has been observed in individual(s) with Stargardt disease (PMID: 19352439). In at least one individual the data is consistent with being in trans (on the opposite chromosome) from a pathogenic variant. It has also been observed to segregate with disease in related individuals. ClinVar contains an entry for this variant (Variation ID: 632118). Variants that disrupt the consensus splice site are a relatively common cause of aberrant splicing (PMID: 17576681, 9536098). Studies have shown that this variant alters mRNA splicing and is expected to lead to the loss of protein expression (PMID: 29162642). For these reasons, this variant has been classified as Pathogenic.

Blueprint Genetics
Classification: Pathogenic for ABCA4-related disorders. Last evaluated: 2023-03-06. Review status: criteria provided, single submitter. Criteria: ACMG Guidelines, 2015. Collection method: clinical testing. Allele origin: germline. Affected: yes. Observed: 3 variant alleles.

Literature cited by the submitters: PubMed 19352439 (cited by Labcorp Genetics (formerly Invitae), Labcorp); PubMed 17576681 (cited by Labcorp Genetics (formerly Invitae), Labcorp); PubMed 9536098 (cited by Labcorp Genetics (formerly Invitae), Labcorp); PubMed 29162642 (cited by Labcorp Genetics (formerly Invitae), Labcorp).

NM_000350.3(ABCA4):c.5312+3A>T

Gene: ABCA4 (ATP binding cassette subfamily A member 4; minus strand). Cytogenetic location: 1p22.1.
Variant type: single nucleotide variant.
Coding change: c.5312+3A>T on transcript NM_000350.3 (MANE Select); 3 bases into the intron after coding-DNA position 5312, A replaced by T.
Molecular consequence: intron variant.
Genome position (GRCh38, 1-based): chr1:94,015,736, T>A on the plus strand (A>T on the coding strand, the complement: ABCA4 is on the minus strand). VCF-style: chr1-94015736-T-A. GRCh37 (hg19) VCF-style: chr1-94481292-T-A.
Identifiers: ClinVar variation 632118 (VCV000632118.12), dbSNP rs767451031, ClinGen allele CA645372240.
Genomic context (GRCh38, chr1:94,015,736, plus strand): 5'-ATCCCCCACCCCCACCACCAGGCTTCTCTTCAGAGGCATTAGCTAATGGCCCAAACGGCT[T>A]ACCCATACAGCAGGAGCAGTGCCACAAGGGCAGGAAGGTTTTCTGGAGAAGTGTAGGCTT-3'